The following is an entry in ClinVar:

NM_015404.4(WHRN):c.1493G>A (p.Arg498His)

Gene: WHRN (whirlin; minus strand). Cytogenetic location: 9q32.
Variant type: single nucleotide variant.
Coding change: c.1493G>A on transcript NM_015404.4 (MANE Select); coding-DNA position 1493, G replaced by A.
Protein change: p.Arg498His; replaces arginine 498 with histidine.
Molecular consequence: missense variant.
Genome position (GRCh38, 1-based): chr9:114,423,447, C>T on the plus strand (G>A on the coding strand, the complement: WHRN is on the minus strand). VCF-style: chr9-114423447-C-T. GRCh37 (hg19) VCF-style: chr9-117185727-C-T.
Other names: c.344G>A, p.Arg115His (NM_001083885.3); c.1493G>A, p.Arg498His (NM_001173425.2); c.440G>A, p.Arg147His (NM_001346890.1); c.1493G>A (NM_015404.3); short protein forms R115H, R147H, R498H.
Identifiers: ClinVar variation 1429123 (VCV001429123.8), dbSNP rs753082098, ClinGen allele CA5205928.
Genomic context (GRCh38, chr9:114,423,447, plus strand): 5'-GAGTAGGTGTCCCCAGCCCCGGGGCCTGGGGGCTGCCGCGCCTTCATGGACTCAATCTCA[C>T]GCCTCAGCACCAGGTGGTCGAAGCGTTCTAGGTCTTGCGGGGAAATGGTGCCTCTCACCT-3'
Protein context (NP_056219.3, residues 488-508): LERFDHLVLR[Arg498His]EIESMKARQP

ClinVar aggregate classification (germline): Uncertain significance. Review status: criteria provided, multiple submitters, no conflicts (2 of 4 stars). 3 submissions from 3 submitters: Uncertain significance (3). Last evaluated 2026-02-16.

Conditions:
WHRN-related disorder. Also called: WHRN-related condition.

Allele frequency attached by ClinVar (database versions not stated): gnomAD exomes 0.00004 and 0.00008; gnomAD 0.00008 and 0.00009; TOPMed 0.00011; ExAC 0.00013.
gnomAD v4.1: 71 of 1,613,968 alleles (0.0044%); highest among the groups gnomAD compares: South Asian, 0.052%; no homozygotes.

Submissions (3):

PreventionGenetics, part of Exact Sciences
Classification: Uncertain significance for WHRN-related condition. Last evaluated: 2026-02-16. Review status: criteria provided, single submitter. Criteria: ACMG Guidelines, 2015. Collection method: clinical testing. Allele origin: germline.
Comment: The WHRN c.1493G>A variant is predicted to result in the amino acid substitution p.Arg498His. To our knowledge, this variant has not been reported in the literature. This variant is reported in 0.042% of alleles in individuals of South Asian descent in gnomAD. At this time, the clinical significance of this variant is uncertain due to the absence of conclusive functional and genetic evidence.

Labcorp Genetics (formerly Invitae), Labcorp
Classification: Uncertain significance. Last evaluated: 2024-01-19. Review status: criteria provided, single submitter. Criteria: Invitae Variant Classification Sherloc (09022015). Collection method: clinical testing. Allele origin: germline.
Comment: This sequence change replaces arginine, which is basic and polar, with histidine, which is basic and polar, at codon 498 of the WHRN protein (p.Arg498His). This variant is present in population databases (rs753082098, gnomAD 0.04%). This variant has not been reported in the literature in individuals affected with WHRN-related conditions. ClinVar contains an entry for this variant (Variation ID: 1429123). An algorithm developed to predict the effect of missense changes on protein structure and function (PolyPhen-2) suggests that this variant¬†is likely to be tolerated. In summary, the available evidence is currently insufficient to determine the role of this variant in disease. Therefore, it has been classified as a Variant of Uncertain Significance.

Blueprint Genetics
Classification: Uncertain significance. Last evaluated: 2024-01-17. Review status: criteria provided, single submitter. Criteria: ACMG Guidelines, 2015. Collection method: clinical testing. Allele origin: germline.